The following is an entry in ClinVar:

ClinVar aggregate classification (germline): Uncertain significance (1 of 4 stars; one submission).

Allele frequency attached by ClinVar (database versions not stated): gnomAD exomes below 0.00001 and 0.00001; TOPMed below 0.00001.
gnomAD v4.1: 15 of 1,614,250 alleles (0.00093%); highest among the groups gnomAD compares: Non-Finnish European, 0.0012%; no homozygotes.

Submission:

Labcorp Genetics (formerly Invitae), Labcorp
Classification: Uncertain significance. Last evaluated: 2022-06-20. Review status: criteria provided, single submitter. Criteria: Invitae Variant Classification Sherloc (09022015). Collection method: clinical testing. Allele origin: germline.
Comment: This sequence change replaces arginine, which is basic and polar, with glycine, which is neutral and non-polar, at codon 469 of the FAM161A protein (p.Arg469Gly). This variant is present in population databases (rs564608247, gnomAD 0.0009%). This variant has not been reported in the literature in individuals affected with FAM161A-related conditions. Algorithms developed to predict the effect of missense changes on protein structure and function are either unavailable or do not agree on the potential impact of this missense change (SIFT: "Deleterious"; PolyPhen-2: "Probably Damaging"; Align-GVGD: "Class C0"). Algorithms developed to predict the effect of sequence changes on RNA splicing suggest that this variant may create or strengthen a splice site. In summary, the available evidence is currently insufficient to determine the role of this variant in disease. Therefore, it has been classified as a Variant of Uncertain Significance.

NM_001201543.2(FAM161A):c.1405A>G (p.Arg469Gly)

Gene: FAM161A (FAM161 centrosomal protein A; minus strand). Cytogenetic location: 2p15.
Variant type: single nucleotide variant.
Coding change: c.1405A>G on transcript NM_001201543.2 (MANE Select); coding-DNA position 1405, A replaced by G.
Protein change: p.Arg469Gly; replaces arginine 469 with glycine.
Molecular consequence: missense variant. On other transcripts: non-coding transcript variant (1).
Genome position (GRCh38, 1-based): chr2:61,839,599, T>C on the plus strand (A>G on the coding strand, the complement: FAM161A is on the minus strand). VCF-style: chr2-61839599-T-C. GRCh37 (hg19) VCF-style: chr2-62066734-T-C.
Other names: c.1405A>G, p.Arg469Gly (NM_032180.3); short protein forms R469G.
Identifiers: ClinVar variation 1419749 (VCV001419749.3), dbSNP rs564608247, ClinGen allele CA48477318.
Genomic context (GRCh38, chr2:61,839,599, plus strand): 5'-GCCAACGTGTTTCTTTTAAATTTTCTTCATCTGCTTCGATGTCTGCCAAAATTTTTTCTC[T>C]TTTAATAGATGCATGTGGAGATGCATGAAGATCAAATGGTTTACACACTGTTAAGAGTTT-3'
Protein context (NP_001188472.1, residues 459-479): LHASPHASIK[Arg469Gly]EKILADIEAD